The following is an entry in ClinVar:

NM_004984.4(KIF5A):c.2048A>G (p.Lys683Arg)

Gene: KIF5A (kinesin family member 5A; plus strand). Cytogenetic location: 12q13.3.
Variant type: single nucleotide variant.
Coding change: c.2048A>G on transcript NM_004984.4 (MANE Select); coding-DNA position 2048, A replaced by G.
Protein change: p.Lys683Arg; replaces lysine 683 with arginine.
Molecular consequence: missense variant.
Genome position (GRCh38, 1-based): chr12:57,576,111, A>G. VCF-style: chr12-57576111-A-G. GRCh37 (hg19) VCF-style: chr12-57969894-A-G.
Other names: c.1781A>G, p.Lys594Arg (NM_001354705.2); short protein forms K594R, K683R.
Identifiers: ClinVar variation 3607004 (VCV003607004.2).

ClinVar aggregate classification (germline): Uncertain significance (1 of 4 stars; one submission).

Conditions:
Spastic paraplegia. Identifiers: MedGen C0037772, HP:0001258.

Submission:

Labcorp Genetics (formerly Invitae), Labcorp
Classification: Uncertain significance for Spastic paraplegia. Last evaluated: 2026-01-09. Review status: criteria provided, single submitter. Criteria: Invitae Variant Classification Sherloc (09022015). Collection method: clinical testing. Allele origin: germline.
Comment: This sequence change replaces lysine, which is basic and polar, with arginine, which is basic and polar, at codon 683 of the KIF5A protein (p.Lys683Arg). This variant is not present in population databases (gnomAD no frequency). This variant has not been reported in the literature in individuals affected with KIF5A-related conditions. ClinVar contains an entry for this variant (Variation ID: 3607004). Invitae Evidence Modeling of protein sequence and biophysical properties (such as structural, functional, and spatial information, amino acid conservation, physicochemical variation, residue mobility, and thermodynamic stability) indicates that this missense variant is not expected to disrupt KIF5A protein function with a negative predictive value of 95%. In summary, the available evidence is currently insufficient to determine the role of this variant in disease. Therefore, it has been classified as a Variant of Uncertain Significance.